The following is an entry in ClinVar:

NM_000530.8(MPZ):c.129_136del (p.Ser44fs)

Gene: MPZ (myelin protein zero; minus strand). Cytogenetic location: 1q23.3.
Variant type: Deletion.
Coding change: c.129_136del on transcript NM_000530.8 (MANE Select); coding-DNA positions 129 to 136, 8 bases deleted (CTCCCGGG; older notation c.129_136delCTCCCGGG).
Protein change: p.Ser44fs; shifts the reading frame from serine 44.
Molecular consequence: frameshift variant.
Genome position (GRCh38, 1-based): chr1:161,307,356-161,307,363, CCCGGGAG deleted on the plus strand (CTCCCGGG on the coding strand, the reverse complement: MPZ is on the minus strand); deleting any 8 consecutive bases within chr1:161,307,356-161,307,366 gives the same sequence; the c. name uses the placement nearest the transcript's 3' end. VCF-style (leftmost placement, unchanged base first): chr1-161307355-ACCCGGGAG-A. GRCh37 (hg19) VCF-style: chr1-161277145-ACCCGGGAG-A.
Other names: c.129_136del, p.Ser44fs (NM_001315491.2); c.129_136delCTCCCGGG (NM_000530.8); c.129_136del (LRG_256t1); short protein forms S44fs.
Identifiers: ClinVar variation 246122 (VCV000246122.15), dbSNP rs760730366, ClinGen allele CA1210225.

ClinVar aggregate classification (germline): Pathogenic/Likely pathogenic. Review status: criteria provided, multiple submitters, no conflicts (2 of 4 stars). 7 submissions from 7 submitters: Pathogenic (5); Likely pathogenic (1). 1 of the submissions does not count toward it. Last evaluated 2025-12-29.

Conditions:
MPZ-related disorder. Also called: MPZ-related condition; MPZ-related disorders.
Charcot-Marie-Tooth disease, type I (CMT1). Also called: Charcot-Marie-Tooth disease type 1; Charcot-Marie-Tooth, Type 1. Identifiers: Orphanet 65753, MedGen C0751036, MONDO:0019011.
Charcot-Marie-Tooth disease. Also called: Charcot-Marie-Tooth Neuropathy; Charcot-Marie-Tooth Hereditary Neuropathy. Identifiers: Orphanet 166, MedGen C0007959, MONDO:0015626.
Charcot-Marie-Tooth disease type 1B. Also called: PERONEAL MUSCULAR ATROPHY; HEREDITARY MOTOR AND SENSORY NEUROPATHY I; HEREDITARY MOTOR AND SENSORY NEUROPATHY IB; Charcot-Marie-Tooth disease, demyelinating, type 1b; Hereditary motor and sensory neuropathy 1B; Charcot-Marie-Tooth disease, type IB. Identifiers: Orphanet 101082, MedGen C0270912, MONDO:0007307, OMIM 118200.
Dejerine-Sottas disease. Also called: Charcot-Marie-Tooth disease type 3; HEREDITARY MOTOR AND SENSORY NEUROPATHY TYPE III; HMSN Type III; Hereditary motor and sensory neuropathy 3; DEJERINE-SOTTAS NEUROPATHY. Identifiers: Orphanet 64748, MedGen C0011195, MONDO:0007790, OMIM 145900.

Submissions (7):

Labcorp Genetics (formerly Invitae), Labcorp
Classification: Pathogenic for Charcot-Marie-Tooth disease, type I. Last evaluated: 2025-12-29. Review status: criteria provided, single submitter. Criteria: Invitae Variant Classification Sherloc (09022015). Collection method: clinical testing. Allele origin: germline.
Comment: This sequence change creates a premature translational stop signal (p.Ser44Aspfs*10) in the MPZ gene. It is expected to result in an absent or disrupted protein product. Loss-of-function variants in MPZ are known to be pathogenic (PMID: 14711881). This variant is present in population databases (rs760730366, gnomAD 0.003%). This premature translational stop signal has been observed in individual(s) with clinical features of MPZ-related conditions (PMID: 25614874). ClinVar contains an entry for this variant (Variation ID: 246122). For these reasons, this variant has been classified as Pathogenic.

First Genomix Gene Laboratory, Genetic Diagnostics Department
Classification: Likely pathogenic for Dejerine-Sottas disease. Last evaluated: 2025-07-09. Review status: criteria provided, single submitter. Criteria: ACMG Guidelines, 2015. Collection method: clinical testing. Allele origin: germline. Inheritance: Autosomal recessive inheritance. Affected: no. Observed: 1 variant allele.

Blueprint Genetics
Classification: Pathogenic for MPZ-related disorders. Last evaluated: 2024-08-01. Review status: criteria provided, single submitter. Criteria: ACMG Guidelines, 2015. Collection method: clinical testing. Allele origin: germline. Affected: yes. Observed: 2 variant alleles.

Department of Clinical Genetics, Copenhagen University Hospital, Rigshospitalet
Classification: Pathogenic for Charcot-Marie-Tooth disease type 1B. Last evaluated: 2024-07-09. Review status: criteria provided, single submitter. Criteria: ACMG Guidelines, 2015. Collection method: clinical testing. Allele origin: germline.
Comment: PVS1_VStr, PP3_Sup, PM2_Sup

Clinical Genetics Laboratory, Skane University Hospital Lund
Classification: Pathogenic. Last evaluated: 2022-08-23. Review status: criteria provided, single submitter. Criteria: ACMG Guidelines, 2015. Collection method: clinical testing. Allele origin: germline. Affected: yes.

GeneDx
Classification: Pathogenic. Last evaluated: 2017-01-09. Review status: criteria provided, single submitter. Criteria: GeneDx Variant Classification (06012015). Collection method: clinical testing. Allele origin: germline. Affected: yes.
Comment: The c.129_136delCTCCCGGG variant in the MPZ gene has been reported previously as a pathogenic variant associated with CMT; however, no other information was provided (DiVincenzo et al., 2014). The deletion causes a frameshift starting with codon Serine 44, changes this amino acid to an Aspartic acid residue and creates a premature Stop codon at position 10 of the new reading frame, denoted p.Ser44AspfsX10. It was not observed in approximately 6,500 individuals of European and African American ancestry in the NHLBI Exome Sequencing Project, indicating it is not a common benign variant in these populations. This pathogenic variant is predicted to cause loss of normal protein function through protein truncation.

Inherited Neuropathy Consortium
Classification: Pathogenic for Charcot-Marie-Tooth disease. Review status: no assertion criteria provided. Collection method: literature only. Allele origin: germline. Affected: yes. Not counted in ClinVar's aggregate classification.

Literature cited by the submitters: PubMed 14711881 (cited by Labcorp Genetics (formerly Invitae), Labcorp); PubMed 25614874 (cited by 3 submitters).